The following is an entry in ClinVar:

ClinVar aggregate classification (germline): Conflicting classifications of pathogenicity. Review status: criteria provided, conflicting classifications (1 of 4 stars). 4 submissions from 4 submitters: Uncertain significance (3); Likely benign (1). Last evaluated 2024-11-08.

Conditions:
Hereditary cancer-predisposing syndrome. Also called: Tumor predisposition; Hereditary Cancer Syndrome; Hereditary neoplastic syndrome; Neoplastic Syndromes, Hereditary. Identifiers: Orphanet 140162, MedGen C0027672, MeSH D009386, MONDO:0015356.
Hereditary breast ovarian cancer syndrome. Also called: Breast and ovarian cancer; Hereditary breast and/or ovarian cancer syndrome; BRCA1- and BRCA2-Associated Hereditary Breast and Ovarian Cancer; Hereditary breast and ovarian cancer syndrome; Hereditary breast and ovarian cancer syndrome (HBOC); Hereditary breast and ovarian cancer. Identifiers: Orphanet 145, MedGen C0677776, MeSH D061325, MONDO:0003582. Disease mechanism: loss of function.
Breast-ovarian cancer, familial, susceptibility to, 1 (BROVCA1). Also called: BRCA1 Hereditary Breast and Ovarian Cancer; OVARIAN CANCER, SUSCEPTIBILITY TO. Identifiers: Orphanet 145, MedGen C2676676, MONDO:0011450, OMIM 604370. Disease mechanism: loss of function.

Allele frequency attached by ClinVar (database versions not stated): gnomAD exomes below 0.00001.
gnomAD v4.1: 1 of 1,613,760 alleles (0.000062%); highest among the groups gnomAD compares: Non-Finnish European, 0.000085%; no homozygotes.

Submissions (4):

Ambry Genetics
Classification: Uncertain significance for Hereditary cancer-predisposing syndrome. Last evaluated: 2024-11-08. Review status: criteria provided, single submitter. Criteria: Ambry Variant Classification Scheme 2023. Collection method: clinical testing. Allele origin: germline.
Comment: The p.N235S variant (also known as c.704A>G), located in coding exon 9 of the BRCA1 gene, results from an A to G substitution at nucleotide position 704. The asparagine at codon 235 is replaced by serine, an amino acid with highly similar properties. This amino acid position is not well conserved in available vertebrate species. In addition, the in silico prediction for this alteration is inconclusive. Based on the available evidence, the clinical significance of this variant remains unclear.

University of Washington Department of Laboratory Medicine, University of Washington
Classification: Likely benign for Hereditary cancer-predisposing syndrome. Last evaluated: 2023-03-23. Review status: criteria provided, single submitter. Criteria: Dines et al. (Genet Med. 2020). Collection method: curation. Allele origin: germline.
Comment: Missense variant in a coldspot region where missense variants are very unlikely to be pathogenic (PMID:31911673).

BRCA1 coldspot (exon 11 using historical exon numbering). Reclassification based on statistical prior probability

All of Us Research Program, National Institutes of Health
Classification: Uncertain significance for Breast-ovarian cancer, familial, susceptibility to, 1. Last evaluated: 2023-02-24. Review status: criteria provided, single submitter. Criteria: ACMG Guidelines, 2015. Collection method: clinical testing. Allele origin: germline. Inheritance: Autosomal dominant inheritance. Observed: 1 variant allele, 1 heterozygote.
Comment: This missense variant replaces asparagine with serine at codon 235 of the BRCA1 protein. Computational prediction suggests that this variant may not impact protein structure and function (internally defined REVEL score threshold <= 0.5, PMID: 27666373). To our knowledge, functional studies have not been reported for this variant. This variant has not been reported in individuals affected with BRCA1-related disorders in the literature. This variant has not been identified in the general population by the Genome Aggregation Database (gnomAD). The available evidence is insufficient to determine the role of this variant in disease conclusively. Therefore, this variant is classified as a Variant of Uncertain Significance.

This study involves interpretation of variants in research participants for the purpose of population health screening. Participant phenotype was not available at the time of variant classification. Additional details can be found in publication PMID: 35346344, PMCID: PMC8962531

Labcorp Genetics (formerly Invitae), Labcorp
Classification: Uncertain significance for Hereditary breast ovarian cancer syndrome. Last evaluated: 2017-08-04. Review status: criteria provided, single submitter. Criteria: Invitae Variant Classification Sherloc (09022015). Collection method: clinical testing. Allele origin: germline.
Comment: This sequence change replaces asparagine with serine at codon 235 of the BRCA1 protein (p.Asn235Ser). The asparagine residue is moderately conserved and there is a small physicochemical difference between asparagine and serine. This variant is not present in population databases (ExAC no frequency). This variant has not been reported in the literature in individuals with a BRCA1-related disease. Algorithms developed to predict the effect of missense changes on protein structure and function output the following: SIFT: "Tolerated"; PolyPhen-2: "Benign"; Align-GVGD: "Class C0". The serine amino acid residue is found in multiple mammalian species, suggesting that this missense change does not adversely affect protein function. These predictions have not been confirmed by published functional studies and their clinical significance is uncertain. Algorithms developed to predict the effect of sequence changes on RNA splicing suggest that this variant may create or strengthen a splice site, but this prediction has not been confirmed by published transcriptional studies. In summary, the available evidence is currently insufficient to determine the role of this variant in disease. Therefore, it has been classified as a Variant of Uncertain Significance.

NM_007294.4(BRCA1):c.704A>G (p.Asn235Ser)

Gene: BRCA1 (BRCA1 DNA repair associated; minus strand). Cytogenetic location: 17q21.31.
Variant type: single nucleotide variant.
Coding change: c.704A>G on transcript NM_007294.4 (MANE Select); coding-DNA position 704, A replaced by G.
Protein change: p.Asn235Ser; replaces asparagine 235 with serine.
Molecular consequence: missense variant. On other transcripts: non-coding transcript variant (1).
Genome position (GRCh38, 1-based): chr17:43,094,827, T>C on the plus strand (A>G on the coding strand, the complement: BRCA1 is on the minus strand). VCF-style: chr17-43094827-T-C. GRCh37 (hg19) VCF-style: chr17-41246844-T-C.
Other names: c.563A>G, p.Asn188Ser (NM_001407851.1, NM_001407852.1, NM_001407942.1 and 43 more transcripts); c.491A>G, p.Asn164Ser (NM_001407853.1, NM_001407894.1, NM_001407895.1 and 12 more transcripts); c.704A>G, p.Asn235Ser (NM_001407854.1, NM_001407858.1, NM_001407859.1 and 54 more transcripts); c.701A>G, p.Asn234Ser (NM_001407860.1, NM_001407861.1, NM_001407972.1 and 38 more transcripts); c.503A>G, p.Asn168Ser (NM_001407862.1, NM_001408474.1, NM_001408476.1); c.581A>G, p.Asn194Ser (NM_001407863.1, NM_001407919.1, NM_001407937.1 and 34 more transcripts); c.500A>G, p.Asn167Ser (NM_001407874.1, NM_001407875.1, NM_001408475.1); c.494A>G, p.Asn165Ser (NM_001407879.1, NM_001407881.1, NM_001407882.1 and 25 more transcripts); and 14 more; short protein forms N235S, N188S, N146S, N165S, N168S, N194S, N234S, N108S.
Identifiers: ClinVar variation 531207 (VCV000531207.14), dbSNP rs1555593283, ClinGen allele CA10600679.